The following is an entry in ClinVar:

ClinVar aggregate classification (germline): Pathogenic/Likely pathogenic. Review status: criteria provided, multiple submitters, no conflicts (2 of 4 stars). 3 submissions from 3 submitters: Pathogenic (1); Likely pathogenic (1). 1 of the submissions does not count toward it. Last evaluated 2024-04-08.

Conditions:
Schimke immuno-osseous dysplasia (SIOD). Also called: Schimke Immunoosseous Dysplasia. Identifiers: Orphanet 1830, MedGen C0877024, MONDO:0009458, OMIM 242900.
Nephrotic syndrome. Identifiers: MedGen C0027726, MONDO:0005377, HP:0000100.

Submissions (3):

Fulgent Genetics
Classification: Likely pathogenic for Schimke immuno-osseous dysplasia. Last evaluated: 2024-04-08. Review status: criteria provided, single submitter. Criteria: ACMG Guidelines, 2015. Collection method: clinical testing. Allele origin: germline.

Women's Health and Genetics/Laboratory Corporation of America, LabCorp
Classification: Pathogenic for Schimke immuno-osseous dysplasia. Last evaluated: 2024-04-08. Review status: criteria provided, single submitter. Criteria: LabCorp Variant Classification Summary - May 2015. Collection method: clinical testing. Allele origin: germline.
Comment: Variant summary: SMARCAL1 c.1940A>C (p.Lys647Thr) results in a non-conservative amino acid change located in the SNF2, N-terminal domain (IPR000330) of the encoded protein sequence. Five of five in-silico tools predict a damaging effect of the variant on protein function. The variant was absent in 251296 control chromosomes (gnomAD). c.1940A>C has been reported in the literature in multiple individuals affected with features of Schimke Immunoosseous Dysplasia. These data indicate that the variant is very likely to be associated with disease. The following publications have been ascertained in the context of this evaluation (PMID: 11799392, 25428399, 29127259, 28796785). ClinVar contains an entry for this variant (Variation ID: 1344879). Based on the evidence outlined above, the variant was classified as pathogenic.

Yale Center for Mendelian Genomics, Yale University
Classification: Likely pathogenic for Nephrotic syndrome. Last evaluated: 2017-11-10. Review status: no assertion criteria provided. Collection method: literature only. Allele origin: germline. Affected: yes. Observed: 1 homozygote. Study: Yale Center for Mendelian Genomics. Not counted in ClinVar's aggregate classification.

Literature cited by the submitters: PubMed 29127259 (cited by Women's Health and Genetics/Laboratory Corporation of America, LabCorp and Yale Center for Mendelian Genomics, Yale University); PubMed 11799392 (cited by Women's Health and Genetics/Laboratory Corporation of America, LabCorp); PubMed 28796785 (cited by Women's Health and Genetics/Laboratory Corporation of America, LabCorp); PubMed 25428399 (cited by Women's Health and Genetics/Laboratory Corporation of America, LabCorp).

NM_014140.4(SMARCAL1):c.1940A>C (p.Lys647Thr)

Gene: SMARCAL1 (SNF2 related chromatin remodeling annealing helicase 1; plus strand). Cytogenetic location: 2q35.
Variant type: single nucleotide variant.
Coding change: c.1940A>C on transcript NM_014140.4 (MANE Select); coding-DNA position 1940, A replaced by C.
Protein change: p.Lys647Thr; replaces lysine 647 with threonine.
Molecular consequence: missense variant.
Genome position (GRCh38, 1-based): chr2:216,450,934, A>C. VCF-style: chr2-216450934-A-C. GRCh37 (hg19) VCF-style: chr2-217315657-A-C.
Other names: c.1940A>C, p.Lys647Thr (NM_001127207.2); short protein forms K647T.
Identifiers: ClinVar variation 1344879 (VCV001344879.3), dbSNP rs2106055226, ClinGen allele CA350502074.
Genomic context (GRCh38, chr2:216,450,934, plus strand): 5'-CCTCCAACCTGGGAGAGCTGAAGCTCCTGCTGGAGGAAGCAGTCATGCTGCGGCGCCTCA[A>C]GTCCGACGTCCTTTCCCAGCTGCCTGCCAAGCAGCGCAAGATAGTGGTGATTGCCCCAGG-3'
Protein context (NP_054859.2, residues 637-657): LEEAVMLRRL[Lys647Thr]SDVLSQLPAK